The following is an entry in ClinVar:

ClinVar aggregate classification (germline): Uncertain significance (1 of 4 stars; one submission).

Conditions:
Cardiovascular phenotype. Identifiers: MedGen CN230736.

Submission:

Ambry Genetics
Classification: Uncertain significance for Cardiovascular phenotype. Last evaluated: 2026-07-27. Review status: criteria provided, single submitter. Criteria: Ambry Variant Classification Scheme 2023. Collection method: clinical testing. Allele origin: germline.
Comment: The p.V819I variant (also known as c.2455G>A), located in coding exon 16 of the CBL gene, results from a G to A substitution at nucleotide position 2455. The valine at codon 819 is replaced by isoleucine, an amino acid with highly similar properties. This amino acid position is conserved. In addition, this alteration is predicted to be tolerated by in silico analysis. Based on the available evidence, the clinical significance of this variant remains unclear.

NM_005188.4(CBL):c.2455G>A (p.Val819Ile)

Gene: CBL (Cbl proto-oncogene; plus strand). Cytogenetic location: 11q23.3.
Variant type: single nucleotide variant.
Coding change: c.2455G>A on transcript NM_005188.4 (MANE Select); coding-DNA position 2455, G replaced by A.
Protein change: p.Val819Ile; replaces valine 819 with isoleucine.
Molecular consequence: missense variant.
Genome position (GRCh38, 1-based): chr11:119,299,515, G>A. VCF-style: chr11-119299515-G-A. GRCh37 (hg19) VCF-style: chr11-119170225-G-A.
Other names: short protein forms V819I.
Identifiers: ClinVar variation 5033756 (VCV005033756.1).